The following is an entry in ClinVar:

NM_001033044.4(GLUL):c.833G>A (p.Ser278Asn)

Gene: GLUL (glutamate-ammonia ligase; minus strand). Cytogenetic location: 1q25.3.
Variant type: single nucleotide variant.
Coding change: c.833G>A on transcript NM_001033044.4 (MANE Select); coding-DNA position 833, G replaced by A.
Protein change: p.Ser278Asn; replaces serine 278 with asparagine.
Molecular consequence: missense variant.
Genome position (GRCh38, 1-based): chr1:182,384,694, C>T on the plus strand (G>A on the coding strand, the complement: GLUL is on the minus strand). VCF-style: chr1-182384694-C-T. GRCh37 (hg19) VCF-style: chr1-182353829-C-T.
Other names: c.833G>A, p.Ser278Asn (NM_001033056.4, NM_002065.7); short protein forms S278N.
Identifiers: ClinVar variation 3378229 (VCV003378229.1).

ClinVar aggregate classification (germline): Uncertain significance (1 of 4 stars; one submission).

Submission:

GeneDx
Classification: Uncertain significance. Last evaluated: 2024-05-13. Review status: criteria provided, single submitter. Criteria: GeneDx Variant Classification Process June 2021. Collection method: clinical testing. Allele origin: germline. Affected: yes.
Comment: Not observed at significant frequency in large population cohorts (gnomAD); In silico analysis indicates that this missense variant does not alter protein structure/function; Has not been previously published as pathogenic or benign to our knowledge